The following is an entry in ClinVar:

ClinVar aggregate classification (germline): Uncertain significance (1 of 4 stars; one submission).

Submission:

GeneDx
Classification: Uncertain significance. Last evaluated: 2022-03-25. Review status: criteria provided, single submitter. Criteria: GeneDx Variant Classification Process June 2021. Collection method: clinical testing. Allele origin: germline. Affected: yes.
Comment: Not observed at significant frequency in large population cohorts (gnomAD); In-silico analysis is inconclusive as to whether the variant alters gene splicing. In the absence of RNA/functional studies, the actual effect of this sequence change is unknown.; Has not been previously published as pathogenic or benign to our knowledge

NM_001271.4(CHD2):c.63-9_63-8insTG

Gene: CHD2 (chromodomain helicase DNA binding protein 2; plus strand). Cytogenetic location: 15q26.1.
Variant type: Insertion.
Coding change: c.63-9_63-8insTG on transcript NM_001271.4 (MANE Select); 9 bases into the intron before coding-DNA position 63 through 8 bases into the intron before coding-DNA position 63, TG inserted.
Molecular consequence: intron variant.
Genome position: GRCh38 VCF-style: chr15-92924312-C-CTG. GRCh37 (hg19) VCF-style: chr15-93467542-C-CTG.
Other names: c.63-9_63-8insTG (NM_001042572.3).
Identifiers: ClinVar variation 1707026 (VCV001707026.2), dbSNP rs2505383975, ClinGen allele CA2580090317.
Genomic context (GRCh38, chr15:92,924,312, plus strand): 5'-ATTTTTTTTTAAGCAGATTCATGTGTCAGTTCTTAAATATTTTTAAATCTCTCTCTCTCT[C>CTG]AAAATAAGTCACTCAGCCTCTGAAGAAGCTTCGGGTTCAGACTCAGGCAGTCAGTCGGAA-3'